The following is an entry in ClinVar:

NM_002087.4(GRN):c.7A>G (p.Thr3Ala)

Gene: GRN (granulin precursor; plus strand). Cytogenetic location: 17q21.31.
Variant type: single nucleotide variant.
Coding change: c.7A>G on transcript NM_002087.4 (MANE Select); coding-DNA position 7, A replaced by G.
Protein change: p.Thr3Ala; replaces threonine 3 with alanine.
Molecular consequence: missense variant.
Genome position (GRCh38, 1-based): chr17:44,349,171, A>G. VCF-style: chr17-44349171-A-G. GRCh37 (hg19) VCF-style: chr17-42426539-A-G.
Other names: short protein forms T3A.
Identifiers: ClinVar variation 931001 (VCV000931001.4), dbSNP rs2048347394, ClinGen allele CA399758989.

ClinVar aggregate classification (germline): Uncertain significance. Review status: criteria provided, multiple submitters, no conflicts (2 of 4 stars). 2 submissions from 2 submitters: Uncertain significance (2). Last evaluated 2025-01-24.

Conditions:
Inborn genetic diseases. Identifiers: MedGen C0950123, MeSH D030342.
Neuronal ceroid lipofuscinosis 11. Also called: GRN-Related Neuronal Ceroid-Lipofuscinosis. Identifiers: Orphanet 314629, Orphanet 79262, MedGen C3539123, MONDO:0013866, OMIM 614706.

Submissions (2):

Ambry Genetics
Classification: Uncertain significance for Inborn genetic diseases. Last evaluated: 2025-01-24. Review status: criteria provided, single submitter. Criteria: Ambry Variant Classification Scheme 2023. Collection method: clinical testing. Allele origin: germline.

Centre for Mendelian Genomics, University Medical Centre Ljubljana
Classification: Uncertain significance for Neuronal ceroid lipofuscinosis 11. Last evaluated: 2016-01-01. Review status: criteria provided, single submitter. Criteria: ACMG Guidelines, 2015. Collection method: clinical testing. Allele origin: unknown. Affected: yes.
Comment: This variant was classified as: Uncertain significance. The following ACMG criteria were applied in classifying this variant: PM2,BP4.